The following is an entry in ClinVar:

ClinVar aggregate classification (germline): Uncertain significance (1 of 4 stars; one submission).

Conditions:
Inborn genetic diseases. Identifiers: MedGen C0950123, MeSH D030342.

gnomAD v4.1: 2 of 1,614,014 alleles (0.00012%); highest among the groups gnomAD compares: Non-Finnish European, 0.00017%; no homozygotes.

Submission:

Ambry Genetics
Classification: Uncertain significance for Inborn genetic diseases. Last evaluated: 2025-07-05. Review status: criteria provided, single submitter. Criteria: Ambry Variant Classification Scheme 2023. Collection method: clinical testing. Allele origin: germline.
Comment: The p.A983T variant (also known as c.2947G>A), located in coding exon 24 of the ANKRD26 gene, results from a G to A substitution at nucleotide position 2947. The alanine at codon 983 is replaced by threonine, an amino acid with similar properties. This amino acid position is conserved. In addition, this alteration is predicted to be tolerated by in silico analysis. Based on the available evidence, the clinical significance of this variant remains unclear.

NM_014915.3(ANKRD26):c.2947G>A (p.Ala983Thr)

Gene: ANKRD26 (ankyrin repeat domain containing 26; minus strand). Cytogenetic location: 10p12.1.
Variant type: single nucleotide variant.
Coding change: c.2947G>A on transcript NM_014915.3 (MANE Select); coding-DNA position 2947, G replaced by A.
Protein change: p.Ala983Thr; replaces alanine 983 with threonine.
Molecular consequence: missense variant.
Genome position (GRCh38, 1-based): chr10:27,035,503, C>T on the plus strand (G>A on the coding strand, the complement: ANKRD26 is on the minus strand). VCF-style: chr10-27035503-C-T. GRCh37 (hg19) VCF-style: chr10-27324432-C-T.
Other names: c.2944G>A, p.Ala982Thr (NM_001256053.2); short protein forms A982T, A983T.
Identifiers: ClinVar variation 4103283 (VCV004103283.1).